The following is an entry in ClinVar:

NM_025074.7(FRAS1):c.6060_6061del (p.Arg2020fs)

Gene: FRAS1 (Fraser extracellular matrix complex subunit 1; plus strand). Cytogenetic location: 4q21.21.
Variant type: Microsatellite.
Coding change: c.6060_6061del on transcript NM_025074.7 (MANE Select); coding-DNA positions 6060 to 6061, 2 bases deleted (AG; older notation c.6060_6061delAG).
Protein change: p.Arg2020fs; shifts the reading frame from arginine 2020.
Molecular consequence: frameshift variant.
Genome position (GRCh38, 1-based): chr4:78,448,102-78,448,103, AG deleted; deleting any 2 consecutive bases within chr4:78,448,099-78,448,103 gives the same sequence; the c. name uses the placement nearest the transcript's 3' end. VCF-style (leftmost placement, unchanged base first): chr4-78448098-GGA-G. GRCh37 (hg19) VCF-style: chr4-79369252-GGA-G.
Other names: short protein forms R2020fs.
Identifiers: ClinVar variation 2770489 (VCV002770489.3), dbSNP rs2477224586, ClinGen allele CA2578123949.
Genomic context (GRCh38, chr4:78,448,098, plus strand): 5'-TACCTCTTCCCTCAGGTCATGTACTCTGGAGGCAAACTGCTTCTGAGCCTCTGGAGAATG[GGA>G]GAGTTTTAGTCCAGGGCTCAACCTTCACCTACCAGGATATCCTAGCTGGGCTGGTTGGGT-3'

ClinVar aggregate classification (germline): Pathogenic (1 of 4 stars; one submission).

Submission:

Labcorp Genetics (formerly Invitae), Labcorp
Classification: Pathogenic. Last evaluated: 2023-12-23. Review status: criteria provided, single submitter. Criteria: Invitae Variant Classification Sherloc (09022015). Collection method: clinical testing. Allele origin: germline.
Comment: This sequence change creates a premature translational stop signal (p.Arg2020Serfs*23) in the FRAS1 gene. It is expected to result in an absent or disrupted protein product. Loss-of-function variants in FRAS1 are known to be pathogenic (PMID: 12766769, 18671281). This variant is not present in population databases (gnomAD no frequency). This variant has not been reported in the literature in individuals affected with FRAS1-related conditions. For these reasons, this variant has been classified as Pathogenic.

Literature cited by the submitters: PubMed 12766769; PubMed 18671281.